The following is an entry in ClinVar:

NM_006767.4(LZTR1):c.173C>T (p.Pro58Leu)

Gene: LZTR1 (leucine zipper like post translational regulator 1; plus strand). Cytogenetic location: 22q11.21.
Variant type: single nucleotide variant.
Coding change: c.173C>T on transcript NM_006767.4 (MANE Select); coding-DNA position 173, C replaced by T.
Protein change: p.Pro58Leu; replaces proline 58 with leucine.
Molecular consequence: missense variant.
Genome position (GRCh38, 1-based): chr22:20,982,544, C>T. VCF-style: chr22-20982544-C-T. GRCh37 (hg19) VCF-style: chr22-21336833-C-T.
Other names: short protein forms P58L.
Identifiers: ClinVar variation 3241863 (VCV003241863.3), dbSNP rs756416071.
Genomic context (GRCh38, chr22:20,982,544, plus strand): 5'-TCGAGTACCTGACGCTCAACTTCGGGCCCTTCGAAACAGTGCATCGCTGGCGGCGCCTCC[C>T]GCCCTGCGACGAGTTCGTGGGTGCCCGGTACGGTGGGCTTCATGGGGTCCTGAGGACAGG-3'
Protein context (NP_006758.2, residues 48-68): FETVHRWRRL[Pro58Leu]PCDEFVGARR

ClinVar aggregate classification (germline): Uncertain significance. Review status: criteria provided, multiple submitters, no conflicts (2 of 4 stars). 2 submissions from 2 submitters: Uncertain significance (2). Last evaluated 2025-04-17.

Conditions:
LZTR1-related schwannomatosis. Also called: Schwannomatosis 2; Schwannomatosis-2, susceptibility to. Identifiers: Orphanet 93921, MedGen C3810283, MONDO:0014299, OMIM 615670.

Allele frequency attached by ClinVar (database versions not stated): gnomAD exomes below 0.00001; ExAC 0.00001.
gnomAD v4.1: 3 of 1,612,608 alleles (0.00019%); highest among the groups gnomAD compares: South Asian, 0.0022%; no homozygotes.

Submissions (2):

Labcorp Genetics (formerly Invitae), Labcorp
Classification: Uncertain significance. Last evaluated: 2025-04-17. Review status: criteria provided, single submitter. Criteria: Invitae Variant Classification Sherloc (09022015). Collection method: clinical testing. Allele origin: germline.
Comment: This sequence change replaces proline, which is neutral and non-polar, with leucine, which is neutral and non-polar, at codon 58 of the LZTR1 protein (p.Pro58Leu). This variant is not present in population databases (gnomAD no frequency). This variant has not been reported in the literature in individuals affected with LZTR1-related conditions. ClinVar contains an entry for this variant (Variation ID: 3241863). Invitae Evidence Modeling of protein sequence and biophysical properties (such as structural, functional, and spatial information, amino acid conservation, physicochemical variation, residue mobility, and thermodynamic stability) indicates that this missense variant is not expected to disrupt LZTR1 protein function with a negative predictive value of 80%. In summary, the available evidence is currently insufficient to determine the role of this variant in disease. Therefore, it has been classified as a Variant of Uncertain Significance.

Baylor Genetics
Classification: Uncertain significance for LZTR1-related schwannomatosis. Last evaluated: 2024-01-08. Review status: criteria provided, single submitter. Criteria: ACMG Guidelines, 2015. Collection method: clinical testing. Allele origin: unknown.